The following is an entry in ClinVar:

ClinVar aggregate classification (germline): Uncertain significance. Review status: criteria provided, multiple submitters, no conflicts (2 of 4 stars). 2 submissions from 2 submitters: Uncertain significance (2). Last evaluated 2025-10-30.

Conditions:
Curry-Hall syndrome (WAD). Also called: WEYERS ACRODENTAL DYSOSTOSIS. Identifiers: Orphanet 952, MedGen C0457013, MONDO:0008673, OMIM 193530.
Ellis-van Creveld syndrome (EVC). Also called: EVC-Related Ellis-van Creveld Syndrome; EVC2-Related Ellis-van Creveld Syndrome; Chondroectodermal dysplasia; MESOECTODERMAL DYSPLASIA. Identifiers: Orphanet 289, MedGen C0013903, MONDO:0009162, OMIM 225500.
Inborn genetic diseases. Identifiers: MedGen C0950123, MeSH D030342.

Allele frequency attached by ClinVar (database versions not stated): TOPMed 0.00005; gnomAD 0.00001; gnomAD exomes 0.00001.
gnomAD v4.1: 10 of 1,166,348 alleles (0.00086%); highest among the groups gnomAD compares: East Asian, 0.034%; no homozygotes.

Submissions (2):

Ambry Genetics
Classification: Uncertain significance for Inborn genetic diseases. Last evaluated: 2025-10-30. Review status: criteria provided, single submitter. Criteria: Ambry Variant Classification Scheme 2023. Collection method: clinical testing. Allele origin: germline.

Labcorp Genetics (formerly Invitae), Labcorp
Classification: Uncertain significance for Curry-Hall syndrome; Ellis-van Creveld syndrome. Last evaluated: 2022-04-21. Review status: criteria provided, single submitter. Criteria: Invitae Variant Classification Sherloc (09022015). Collection method: clinical testing. Allele origin: germline.
Comment: This sequence change replaces leucine, which is neutral and non-polar, with phenylalanine, which is neutral and non-polar, at codon 46 of the EVC protein (p.Leu46Phe). This variant is not present in population databases (gnomAD no frequency). This variant has not been reported in the literature in individuals affected with EVC-related conditions. Algorithms developed to predict the effect of missense changes on protein structure and function are either unavailable or do not agree on the potential impact of this missense change (SIFT: "Deleterious"; PolyPhen-2: "Possibly Damaging"; Align-GVGD: "Class C0"). In summary, the available evidence is currently insufficient to determine the role of this variant in disease. Therefore, it has been classified as a Variant of Uncertain Significance.

NM_153717.3(EVC):c.136C>T (p.Leu46Phe)

Gene: EVC (EvC ciliary complex subunit 1; plus strand). Cytogenetic location: 4p16.2.
Variant type: single nucleotide variant.
Coding change: c.136C>T on transcript NM_153717.3 (MANE Select); coding-DNA position 136, C replaced by T.
Protein change: p.Leu46Phe; replaces leucine 46 with phenylalanine.
Molecular consequence: missense variant.
Genome position (GRCh38, 1-based): chr4:5,711,516, C>T. VCF-style: chr4-5711516-C-T. GRCh37 (hg19) VCF-style: chr4-5713243-C-T.
Other names: c.136C>T, p.Leu46Phe (NM_001306090.2, NM_001306092.2); c.136C>T (NM_153717.2); short protein forms L46F.
Identifiers: ClinVar variation 1397708 (VCV001397708.6), dbSNP rs1246844384, ClinGen allele CA356156645.
Genomic context (GRCh38, chr4:5,711,516, plus strand): 5'-GCCCTGCTGGCCCCCGCCGTGCTGCTGGGCGCCGCGCTCGGCCTCGGCCTCGGCCTTTGG[C>T]TTGGCTGCCGCGCGGGCCGCCAGCGCACGCGACACCAGGTGGGTCGGCCGAGCAGACAGC-3'
Protein context (NP_714928.1, residues 36-56): AALGLGLGLW[Leu46Phe]GCRAGRQRTR